The following is an entry in ClinVar:

NM_020821.3(VPS13C):c.2059G>A (p.Val687Ile)

Gene: VPS13C (vacuolar protein sorting 13 homolog C; minus strand). Cytogenetic location: 15q22.2.
Variant type: single nucleotide variant.
Coding change: c.2059G>A on transcript NM_020821.3 (MANE Select); coding-DNA position 2059, G replaced by A.
Protein change: p.Val687Ile; replaces valine 687 with isoleucine.
Molecular consequence: missense variant.
Genome position (GRCh38, 1-based): chr15:61,981,449, C>T on the plus strand (G>A on the coding strand, the complement: VPS13C is on the minus strand). VCF-style: chr15-61981449-C-T. GRCh37 (hg19) VCF-style: chr15-62273648-C-T.
Other names: c.2059G>A, p.Val687Ile (NM_001018088.3); c.1930G>A, p.Val644Ile (NM_017684.5, NM_018080.4); short protein forms V644I, V687I.
Identifiers: ClinVar variation 1999243 (VCV001999243.4), dbSNP rs2548034521, ClinGen allele CA392680536.

ClinVar aggregate classification (germline): Uncertain significance (1 of 4 stars; one submission).

Allele frequency attached by ClinVar (database versions not stated): gnomAD exomes below 0.00001.
gnomAD v4.1: 1 of 1,610,346 alleles (0.000062%); highest among the groups gnomAD compares: Non-Finnish European, 0.000085%; no homozygotes.

Submission:

Labcorp Genetics (formerly Invitae), Labcorp
Classification: Uncertain significance. Last evaluated: 2022-06-17. Review status: criteria provided, single submitter. Criteria: Invitae Variant Classification Sherloc (09022015). Collection method: clinical testing. Allele origin: germline.
Comment: This variant is not present in population databases (gnomAD no frequency). In summary, the available evidence is currently insufficient to determine the role of this variant in disease. Therefore, it has been classified as a Variant of Uncertain Significance. Algorithms developed to predict the effect of missense changes on protein structure and function (SIFT, PolyPhen-2, Align-GVGD) all suggest that this variant is likely to be tolerated. This variant has not been reported in the literature in individuals affected with VPS13C-related conditions. This sequence change replaces valine, which is neutral and non-polar, with isoleucine, which is neutral and non-polar, at codon 687 of the VPS13C protein (p.Val687Ile).